The following is an entry in ClinVar:

ClinVar aggregate classification (germline): Uncertain significance (1 of 4 stars; one submission).

Allele frequency attached by ClinVar (database versions not stated): gnomAD 0.00001; gnomAD exomes 0.00001; ExAC 0.00002; TOPMed 0.00002.
gnomAD v4.1: 12 of 1,614,120 alleles (0.00074%); highest among the groups gnomAD compares: Middle Eastern, 0.016%; no homozygotes.

Submission:

Labcorp Genetics (formerly Invitae), Labcorp
Classification: Uncertain significance. Last evaluated: 2022-02-06. Review status: criteria provided, single submitter. Criteria: Invitae Variant Classification Sherloc (09022015). Collection method: clinical testing. Allele origin: germline.
Comment: This sequence change replaces threonine, which is neutral and polar, with isoleucine, which is neutral and non-polar, at codon 2889 of the COL7A1 protein (p.Thr2889Ile). This variant is present in population databases (rs756244275, gnomAD 0.003%). This variant has not been reported in the literature in individuals affected with COL7A1-related conditions. Advanced modeling of protein sequence and biophysical properties (such as structural, functional, and spatial information, amino acid conservation, physicochemical variation, residue mobility, and thermodynamic stability) performed at Invitae indicates that this missense variant is not expected to disrupt COL7A1 protein function. In summary, the available evidence is currently insufficient to determine the role of this variant in disease. Therefore, it has been classified as a Variant of Uncertain Significance.

NM_000094.4(COL7A1):c.8666C>T (p.Thr2889Ile)

Gene: COL7A1 (collagen type VII alpha 1 chain; minus strand). Cytogenetic location: 3p21.31.
Variant type: single nucleotide variant.
Coding change: c.8666C>T on transcript NM_000094.4 (MANE Select); coding-DNA position 8666, C replaced by T.
Protein change: p.Thr2889Ile; replaces threonine 2889 with isoleucine.
Molecular consequence: missense variant.
Genome position (GRCh38, 1-based): chr3:48,564,935, G>A on the plus strand (C>T on the coding strand, the complement: COL7A1 is on the minus strand). VCF-style: chr3-48564935-G-A. GRCh37 (hg19) VCF-style: chr3-48602368-G-A.
Other names: short protein forms T2889I.
Identifiers: ClinVar variation 2179706 (VCV002179706.1), dbSNP rs756244275, ClinGen allele CA2377901.